The following is an entry in ClinVar:

ClinVar aggregate classification (germline): Uncertain significance (1 of 4 stars; one submission).

Conditions:
Cardiovascular phenotype. Identifiers: MedGen CN230736.
Hereditary cancer-predisposing syndrome. Also called: Tumor predisposition; Hereditary neoplastic syndrome; Neoplastic Syndromes, Hereditary; Hereditary Cancer Syndrome. Identifiers: Orphanet 140162, MedGen C0027672, MeSH D009386, MONDO:0015356.

Submission:

Ambry Genetics
Classification: Uncertain significance for Cardiovascular phenotype; Hereditary cancer-predisposing syndrome. Last evaluated: 2025-04-21. Review status: criteria provided, single submitter. Criteria: Ambry Variant Classification Scheme 2023. Collection method: clinical testing. Allele origin: germline.
Comment: The p.L356V variant (also known as c.1066C>G), located in coding exon 10 of the NF1 gene, results from a C to G substitution at nucleotide position 1066. The leucine at codon 356 is replaced by valine, an amino acid with highly similar properties. This amino acid position is conserved. In addition, this alteration is predicted to be tolerated by in silico analysis. Based on the available evidence, the clinical significance of this variant remains unclear.

NM_001042492.3(NF1):c.1066C>G (p.Leu356Val)

Gene: NF1 (neurofibromin 1; plus strand). Cytogenetic location: 17q11.2.
Variant type: single nucleotide variant.
Coding change: c.1066C>G on transcript NM_001042492.3 (MANE Select); coding-DNA position 1066, C replaced by G.
Protein change: p.Leu356Val; replaces leucine 356 with valine.
Molecular consequence: missense variant.
Genome position (GRCh38, 1-based): chr17:31,201,040, C>G. VCF-style: chr17-31201040-C-G. GRCh37 (hg19) VCF-style: chr17-29528058-C-G.
Other names: c.1066C>G, p.Leu356Val (NM_000267.4, NM_001128147.3); short protein forms L356V.
Identifiers: ClinVar variation 4024096 (VCV004024096.1).